The following is an entry in ClinVar:

ClinVar aggregate classification (germline): Uncertain significance. Review status: criteria provided, single submitter (1 of 4 stars). 2 submissions from 2 submitters: Uncertain significance (1). 1 of the submissions does not count toward it. Last evaluated 2022-04-08.

Conditions:
Metaphyseal chondrodysplasia, Jansen type. Also called: PTH1R-Related Jansen Metaphyseal Chondrodysplasia; Metaphyseal chondrodysplasia Murk Jansen type. Identifiers: Orphanet 33067, MedGen C0265295, MONDO:0007982, OMIM 156400.
Primary failure of tooth eruption. Also called: DENTAL NONERUPTION; PRIMARY RETENTION OF TEETH; UNERUPTED SECOND PRIMARY MOLAR; POSTERIOR OPENBITE MALOCCLUSION, FAMILIAL. Identifiers: Orphanet 412206, MedGen C1852222, MONDO:0007434, OMIM 125350.
Chondrodysplasia Blomstrand type (BOCD). Identifiers: Orphanet 50945, MedGen C1859148, MONDO:0008970, OMIM 215045.
Eiken syndrome (EKNS). Also called: BONE MODELING DEFECT OF HANDS AND FEET. Identifiers: Orphanet 79106, MedGen C1838779, MONDO:0010803, OMIM 600002.

Allele frequency attached by ClinVar (database versions not stated): gnomAD exomes below 0.00001; TOPMed below 0.00001; gnomAD 0.00001.
gnomAD v4.1: 2 of 1,560,410 alleles (0.00013%); highest among the groups gnomAD compares: Non-Finnish European, 0.000086%; no homozygotes.

Submissions (2):

Fulgent Genetics
Classification: Uncertain significance for Primary failure of tooth eruption; Metaphyseal chondrodysplasia, Jansen type; Chondrodysplasia Blomstrand type; Eiken syndrome. Last evaluated: 2022-04-08. Review status: criteria provided, single submitter. Criteria: ACMG Guidelines, 2015. Collection method: clinical testing. Allele origin: unknown.

Martin Pollak Laboratory,  Beth Israel Deaconess Medical Center
Classification: Uncertain significance. Review status: no assertion criteria provided. Collection method: not provided. Allele origin: unknown. Not counted in ClinVar's aggregate classification.
Comment: Lower UCa2+ group
ClinVar note: Converted during submission from unknown to Uncertain significance.

NM_000316.3(PTH1R):c.805C>T (p.Pro269Ser)

Gene: PTH1R (parathyroid hormone 1 receptor; plus strand). Cytogenetic location: 3p21.31.
Variant type: single nucleotide variant.
Coding change: c.805C>T on transcript NM_000316.3 (MANE Select); coding-DNA position 805, C replaced by T.
Protein change: p.Pro269Ser; replaces proline 269 with serine.
Molecular consequence: missense variant.
Genome position (GRCh38, 1-based): chr3:46,898,828, C>T. VCF-style: chr3-46898828-C-T. GRCh37 (hg19) VCF-style: chr3-46940318-C-T.
Other names: c.805C>T, p.Pro269Ser (NM_001184744.1); short protein forms P269S.
Identifiers: ClinVar variation 64402 (VCV000064402.3), dbSNP rs387907462, ClinGen allele CA216066.